The following is an entry in ClinVar:

NM_005618.4(DLL1):c.1389C>G (p.Asn463Lys)

Gene: DLL1 (delta like canonical Notch ligand 1; minus strand). Cytogenetic location: 6q27.
Variant type: single nucleotide variant.
Coding change: c.1389C>G on transcript NM_005618.4 (MANE Select); coding-DNA position 1389, C replaced by G.
Protein change: p.Asn463Lys; replaces asparagine 463 with lysine.
Molecular consequence: missense variant.
Genome position (GRCh38, 1-based): chr6:170,283,890, G>C on the plus strand (C>G on the coding strand, the complement: DLL1 is on the minus strand). VCF-style: chr6-170283890-G-C. GRCh37 (hg19) VCF-style: chr6-170592978-G-C.
Other names: short protein forms N463K.
Identifiers: ClinVar variation 4750205 (VCV004750205.1).
Genomic context (GRCh38, chr6:170,283,890, plus strand): 5'-GCTGACGGGGGCACTGCAGTTCCTGCCCGTGTAGCCAGGCGGGCAGGTGCAGGAGAAGTC[G>C]TTCACGCCATCCCGGCAGGTGCCCCCGTTGGCGCACGGGGAGGAGGCGCAGTCGTCCACG-3'
Protein context (NP_005609.3, residues 453-473): ANGGTCRDGV[Asn463Lys]DFSCTCPPGY

ClinVar aggregate classification (germline): Uncertain significance (1 of 4 stars; one submission).

Submission:

Labcorp Genetics (formerly Invitae), Labcorp
Classification: Uncertain significance. Last evaluated: 2025-08-26. Review status: criteria provided, single submitter. Criteria: Invitae Variant Classification Sherloc (09022015). Collection method: clinical testing. Allele origin: germline.
Comment: This sequence change replaces asparagine, which is neutral and polar, with lysine, which is basic and polar, at codon 463 of the DLL1 protein (p.Asn463Lys). This variant is present in population databases (no rsID available, gnomAD 0.01%). This variant has not been reported in the literature in individuals affected with DLL1-related conditions. An algorithm developed to predict the effect of missense changes on protein structure and function (PolyPhen-2) suggests that this variant is likely to be disruptive. In summary, the available evidence is currently insufficient to determine the role of this variant in disease. Therefore, it has been classified as a Variant of Uncertain Significance.